The following is an entry in ClinVar:

ClinVar aggregate classification (germline): Uncertain significance. Review status: criteria provided, multiple submitters, no conflicts (2 of 4 stars). 3 submissions from 3 submitters: Uncertain significance (3). Last evaluated 2025-02-25.

Conditions:
Inborn genetic diseases. Identifiers: MedGen C0950123, MeSH D030342.

Allele frequency attached by ClinVar (database versions not stated): gnomAD 0.00004 and 0.00005; ExAC 0.00005; TOPMed 0.00006; ESP Exome Variant Server 0.00008.
gnomAD v4.1: 92 of 1,614,048 alleles (0.0057%); highest among the groups gnomAD compares: African/African-American, 0.027%; no homozygotes.

Submissions (3):

Ambry Genetics
Classification: Uncertain significance for Inborn genetic diseases. Last evaluated: 2025-02-25. Review status: criteria provided, single submitter. Criteria: Ambry Variant Classification Scheme 2023. Collection method: clinical testing. Allele origin: germline.

Labcorp Genetics (formerly Invitae), Labcorp
Classification: Uncertain significance. Last evaluated: 2022-10-05. Review status: criteria provided, single submitter. Criteria: Invitae Variant Classification Sherloc (09022015). Collection method: clinical testing. Allele origin: germline.
Comment: This sequence change replaces alanine, which is neutral and non-polar, with valine, which is neutral and non-polar, at codon 1103 of the CNGB1 protein (p.Ala1103Val). This variant is present in population databases (rs377240706, gnomAD 0.02%). This variant has not been reported in the literature in individuals affected with CNGB1-related conditions. ClinVar contains an entry for this variant (Variation ID: 969180). Advanced modeling of protein sequence and biophysical properties (such as structural, functional, and spatial information, amino acid conservation, physicochemical variation, residue mobility, and thermodynamic stability) performed at Invitae indicates that this missense variant is not expected to disrupt CNGB1 protein function. Algorithms developed to predict the effect of sequence changes on RNA splicing suggest that this variant may create or strengthen a splice site. In summary, the available evidence is currently insufficient to determine the role of this variant in disease. Therefore, it has been classified as a Variant of Uncertain Significance.

Blueprint Genetics
Classification: Uncertain significance. Last evaluated: 2019-12-23. Review status: criteria provided, single submitter. Criteria: ACMG Guidelines, 2015. Collection method: clinical testing. Allele origin: germline.

NM_001297.5(CNGB1):c.3308C>T (p.Ala1103Val)

Gene: CNGB1 (cyclic nucleotide gated channel subunit beta 1; minus strand). Cytogenetic location: 16q21.
Variant type: single nucleotide variant.
Coding change: c.3308C>T on transcript NM_001297.5 (MANE Select); coding-DNA position 3308, C replaced by T.
Protein change: p.Ala1103Val; replaces alanine 1103 with valine.
Molecular consequence: missense variant.
Genome position (GRCh38, 1-based): chr16:57,888,009, G>A on the plus strand (C>T on the coding strand, the complement: CNGB1 is on the minus strand). VCF-style: chr16-57888009-G-A. GRCh37 (hg19) VCF-style: chr16-57921913-G-A.
Other names: c.3290C>T, p.Ala1097Val (NM_001286130.2); short protein forms A1097V, A1103V.
Identifiers: ClinVar variation 969180 (VCV000969180.9), dbSNP rs377240706, ClinGen allele CA8082600.